The following is an entry in ClinVar:

ClinVar aggregate classification (germline): Uncertain significance (1 of 4 stars; one submission).

Conditions:
Inborn genetic diseases. Identifiers: MedGen C0950123, MeSH D030342.

gnomAD v4.1: 2 of 1,598,020 alleles (0.00013%); highest among the groups gnomAD compares: Non-Finnish European, 0.00017%; no homozygotes.

Submission:

Ambry Genetics
Classification: Uncertain significance for Inborn genetic diseases. Last evaluated: 2025-11-13. Review status: criteria provided, single submitter. Criteria: Ambry Variant Classification Scheme 2023. Collection method: clinical testing. Allele origin: germline.
Comment: The c.1718C>T (p.T573M) alteration is located in exon 10 (coding exon 9) of the SLC20A2 gene. This alteration results from a C to T substitution at nucleotide position 1718, causing the threonine (T) at amino acid position 573 to be replaced by a methionine (M). Based on data from gnomAD, the T allele has an overall frequency of <0.001% (1/260670) total alleles studied. The highest observed frequency was 0.001% (1/118888) of European (non-Finnish) alleles. Based on insufficient or conflicting evidence, the clinical significance of this alteration remains unclear.

NM_001257180.2(SLC20A2):c.1718C>T (p.Thr573Met)

Gene: SLC20A2 (solute carrier family 20 member 2; minus strand). Cytogenetic location: 8p11.21.
Variant type: single nucleotide variant.
Coding change: c.1718C>T on transcript NM_001257180.2 (MANE Select); coding-DNA position 1718, C replaced by T.
Protein change: p.Thr573Met; replaces threonine 573 with methionine.
Molecular consequence: missense variant.
Genome position (GRCh38, 1-based): chr8:42,428,834, G>A on the plus strand (C>T on the coding strand, the complement: SLC20A2 is on the minus strand). VCF-style: chr8-42428834-G-A. GRCh37 (hg19) VCF-style: chr8-42286352-G-A.
Other names: c.1718C>T, p.Thr573Met (NM_001257181.2, NM_006749.5); short protein forms T573M.
Identifiers: ClinVar variation 4631073 (VCV004631073.1).